The following is an entry in ClinVar:

ClinVar aggregate classification (germline): Uncertain significance (1 of 4 stars; one submission).

Conditions:
Noonan syndrome (NS). Also called: Noonan's syndrome. Identifiers: Orphanet 648, MedGen C0028326, MeSH D009634, MONDO:0018997. Disease mechanism: gain of function.

Allele frequency attached by ClinVar (database versions not stated): gnomAD exomes below 0.00001; TOPMed below 0.00001; gnomAD 0.00001.
gnomAD v4.1: 4 of 1,613,940 alleles (0.00025%); highest among the groups gnomAD compares: Non-Finnish European, 0.00034%; no homozygotes.

Submission:

Labcorp Genetics (formerly Invitae), Labcorp
Classification: Uncertain significance for Noonan syndrome. Last evaluated: 2025-04-13. Review status: criteria provided, single submitter. Criteria: Invitae Variant Classification Sherloc (09022015). Collection method: clinical testing. Allele origin: germline.
Comment: This sequence change creates a premature translational stop signal (p.Lys143*) in the RRAS gene. It is expected to result in an absent or disrupted protein product. However, the current clinical and genetic evidence is not sufficient to establish whether loss-of-function variants in RRAS cause disease. This variant is present in population databases (no rsID available, gnomAD 0.007%). This variant has not been reported in the literature in individuals affected with RRAS-related conditions. ClinVar contains an entry for this variant (Variation ID: 665777). In summary, the available evidence is currently insufficient to determine the role of this variant in disease. Therefore, it has been classified as a Variant of Uncertain Significance.

NM_006270.5(RRAS):c.427A>T (p.Lys143Ter)

Gene: RRAS (RAS related; minus strand). Cytogenetic location: 19q13.33.
Variant type: single nucleotide variant.
Coding change: c.427A>T on transcript NM_006270.5 (MANE Select); coding-DNA position 427, A replaced by T.
Protein change: p.Lys143Ter; replaces lysine 143 with a stop codon.
Molecular consequence: nonsense.
Genome position (GRCh38, 1-based): chr19:49,636,645, T>A on the plus strand (A>T on the coding strand, the complement: RRAS is on the minus strand). VCF-style: chr19-49636645-T-A. GRCh37 (hg19) VCF-style: chr19-50139902-T-A.
Other names: short protein forms K143*.
Identifiers: ClinVar variation 665777 (VCV000665777.6), dbSNP rs896071517, ClinGen allele CA309505665.
Genomic context (GRCh38, chr19:49,636,645, plus strand): 5'-AGATGGGGTCCCCAGAAAGAGGGGTGTCCCGAACCTGGCGCTGTGACTCCAGATCTGCCT[T>A]GTTCCCGACCAACACAACGGGGAAGTCGTCGCGGTCCTTGACCCGCAGAATCTGCGTGAA-3'